The following is an entry in ClinVar:

NM_033380.3(COL4A5):c.835G>C (p.Gly279Arg)

Gene: COL4A5 (collagen type IV alpha 5 chain; plus strand). Cytogenetic location: Xq22.3.
Variant type: single nucleotide variant.
Coding change: c.835G>C on transcript NM_033380.3 (MANE Select); coding-DNA position 835, G replaced by C.
Protein change: p.Gly279Arg; replaces glycine 279 with arginine.
Molecular consequence: missense variant.
Genome position (GRCh38, 1-based): chrX:108,580,682, G>C. VCF-style: chrX-108580682-G-C. GRCh37 (hg19) VCF-style: chrX-107823912-G-C.
Other names: c.835G>C, p.Gly279Arg (NM_000495.5); short protein forms G279R.
Identifiers: ClinVar variation 4818592 (VCV004818592.1).

ClinVar aggregate classification (germline): Likely pathogenic (1 of 4 stars; one submission).

Conditions:
X-linked Alport syndrome (ATS1). Also called: NEPHROPATHY AND DEAFNESS, X-LINKED; COL4A5-Related Nephropathy. Identifiers: Orphanet 63, Orphanet 88917, MedGen C4746986, MONDO:0010520, OMIM 301050.

gnomAD v4.1: 20 of 1,208,046 alleles (0.0017%); highest among the groups gnomAD compares: South Asian, 0.0053%; no homozygotes.

Submission:

Natera, Inc.
Classification: Likely pathogenic for X-linked Alport syndrome. Last evaluated: 2025-10-23. Review status: criteria provided, single submitter. Criteria: Natera Variant Classification Schema (03/2026). Collection method: clinical testing. Allele origin: germline.
Comment: The c.835G>C variant in COL4A5 is a missense variant predicted to cause substitution of glycine to arginine at amino acid 279. This variant is rare in the general population with a frequency below the threshold expected for the associated phenotype(s). This variant is located in a functionally critical region of the protein. Computational prediction algorithms indicate this variant is likely to affect gene or protein function. Given the available evidence, this variant is classified as Likely Pathogenic.